The following is an entry in ClinVar:

NM_021958.4(HLX):c.499C>T (p.Pro167Ser)

Gene: HLX (H2.0 like homeobox; plus strand). Cytogenetic location: 1q41.
Variant type: single nucleotide variant.
Coding change: c.499C>T on transcript NM_021958.4 (MANE Select); coding-DNA position 499, C replaced by T.
Protein change: p.Pro167Ser; replaces proline 167 with serine.
Molecular consequence: missense variant.
Genome position (GRCh38, 1-based): chr1:220,880,356, C>T. VCF-style: chr1-220880356-C-T. GRCh37 (hg19) VCF-style: chr1-221053698-C-T.
Other names: short protein forms P167S.
Identifiers: ClinVar variation 3051974 (VCV003051974.2), dbSNP rs201755479, ClinGen allele CA1404747.

ClinVar aggregate classification (germline): Likely benign (0 of 4 stars; one submission).

Conditions:
HLX-related disorder. Also called: HLX-related condition.

Allele frequency attached by ClinVar (database versions not stated): gnomAD exomes 0.00015; gnomAD 0.00016; TOPMed 0.00016; ExAC 0.00017.
gnomAD v4.1: 238 of 1,613,990 alleles (0.015%); highest among the groups gnomAD compares: Non-Finnish European, 0.012%; no homozygotes.

Submission:

PreventionGenetics, part of Exact Sciences
Classification: Likely benign for HLX-related condition. Last evaluated: 2022-02-22. Review status: no assertion criteria provided. Collection method: clinical testing. Allele origin: germline.
Comment: This variant is classified as likely benign based on ACMG/AMP sequence variant interpretation guidelines (Richards et al. 2015 PMID: 25741868, with internal and published modifications).